The following is an entry in ClinVar:

NM_000166.6(GJB1):c.132G>A (p.Trp44Ter)

Gene: GJB1 (gap junction protein beta 1; plus strand). Cytogenetic location: Xq13.1.
Variant type: single nucleotide variant.
Coding change: c.132G>A on transcript NM_000166.6 (MANE Select); coding-DNA position 132, G replaced by A.
Protein change: p.Trp44Ter; replaces tryptophan 44 with a stop codon.
Molecular consequence: nonsense.
Genome position (GRCh38, 1-based): chrX:71,223,839, G>A. VCF-style: chrX-71223839-G-A. GRCh37 (hg19) VCF-style: chrX-70443689-G-A.
Other names: c.132G>A, p.Trp44Ter (NM_001097642.3); short protein forms W44*.
Identifiers: ClinVar variation 637596 (VCV000637596.5), dbSNP rs879253935, ClinGen allele CA413501057.

ClinVar aggregate classification (germline): Pathogenic. Review status: criteria provided, single submitter (1 of 4 stars). 3 submissions from 3 submitters: Pathogenic (1). 2 of the submissions do not count toward it. Last evaluated 2023-01-15.

Conditions:
Charcot-Marie-Tooth Neuropathy X. Identifiers: MedGen CN118851.
Charcot-Marie-Tooth disease. Also called: Charcot-Marie-Tooth Hereditary Neuropathy; Charcot-Marie-Tooth Neuropathy. Identifiers: Orphanet 166, MedGen C0007959, MONDO:0015626.
Charcot-Marie-Tooth disease X-linked dominant 1. Also called: Charcot-Marie-Tooth Neuropathy X Type 1; X-linked Charcot-Marie-Tooth disease type 1; GJB1 Disorders: Charcot-Marie-Tooth Neuropathy (CMT1X) and Central Nervous System Phenotypes; CHARCOT-MARIE-TOOTH NEUROPATHY, X-LINKED, 1; CHARCOT-MARIE-TOOTH PERONEAL MUSCULAR ATROPHY, X-LINKED; HEREDITARY MOTOR AND SENSORY NEUROPATHY, X-LINKED. Identifiers: Orphanet 101075, MedGen C0393808, MONDO:0010549, OMIM 302800.

Submissions (3):

Labcorp Genetics (formerly Invitae), Labcorp
Classification: Pathogenic for Charcot-Marie-Tooth Neuropathy X. Last evaluated: 2023-01-15. Review status: criteria provided, single submitter. Criteria: Invitae Variant Classification Sherloc (09022015). Collection method: clinical testing. Allele origin: germline.
Comment: For these reasons, this variant has been classified as Pathogenic. This variant disrupts a region of the GJB1 protein in which other variant(s) (p.Asn205Ser) have been determined to be pathogenic (PMID: 9401007, 9452099, 10071100, 12497641, 19259128, 24327141, 27544631, 28469099). This suggests that this is a clinically significant region of the protein, and that variants that disrupt it are likely to be disease-causing. ClinVar contains an entry for this variant (Variation ID: 637596). This premature translational stop signal has been observed in individual(s) with X-linked Charcot-Marie-Tooth disease (PMID: 10894999). This variant is not present in population databases (gnomAD no frequency). This sequence change creates a premature translational stop signal (p.Trp44*) in the GJB1 gene. While this is not anticipated to result in nonsense mediated decay, it is expected to disrupt the last 240 amino acid(s) of the GJB1 protein.

Inherited Neuropathy Consortium Ii, University Of Miami
Classification: Uncertain significance for Charcot-Marie-Tooth disease X-linked dominant 1. Last evaluated: 2016-01-06. Review status: no assertion criteria provided. Collection method: literature only. Allele origin: germline. Affected: yes. Not counted in ClinVar's aggregate classification.

Inherited Neuropathy Consortium
Classification: Uncertain significance for Charcot-Marie-Tooth disease. Review status: no assertion criteria provided. Collection method: literature only. Allele origin: germline. Affected: yes. Not counted in ClinVar's aggregate classification.

Literature cited by the submitters: PubMed 9401007 (cited by Labcorp Genetics (formerly Invitae), Labcorp); PubMed 9452099 (cited by Labcorp Genetics (formerly Invitae), Labcorp); PubMed 10071100 (cited by Labcorp Genetics (formerly Invitae), Labcorp); PubMed 12497641 (cited by Labcorp Genetics (formerly Invitae), Labcorp); PubMed 19259128 (cited by Labcorp Genetics (formerly Invitae), Labcorp); PubMed 24327141 (cited by Labcorp Genetics (formerly Invitae), Labcorp); PubMed 27544631 (cited by Labcorp Genetics (formerly Invitae), Labcorp); PubMed 28469099 (cited by Labcorp Genetics (formerly Invitae), Labcorp); PubMed 10894999 (cited by 3 submitters).